The following is an entry in ClinVar:

ClinVar aggregate classification (germline): Uncertain significance. Review status: criteria provided, multiple submitters, no conflicts (2 of 4 stars). 2 submissions from 2 submitters: Uncertain significance (2). Last evaluated 2021-06-23.

Conditions:
Charcot-Marie-Tooth disease axonal type 2S. Also called: CHARCOT-MARIE-TOOTH NEUROPATHY, TYPE 2S; CHARCOT-MARIE-TOOTH DISEASE, AXONAL, AUTOSOMAL RECESSIVE, TYPE 2S. Identifiers: Orphanet 443073, MedGen C4015349, MONDO:0014511, OMIM 616155.
Autosomal recessive distal spinal muscular atrophy 1. Also called: NEURONOPATHY, DISTAL HEREDITARY MOTOR, HARDING TYPE VI; NEUROPATHY, DISTAL HEREDITARY MOTOR, AUTOSOMAL RECESSIVE 1; SEVERE INFANTILE AXONAL NEUROPATHY WITH RESPIRATORY FAILURE; SPINAL MUSCULAR ATROPHY, DIAPHRAGMATIC; HMN VI; Spinal muscular atrophy with respiratory distress 1. Identifiers: Orphanet 98920, MedGen C1858517, MONDO:0011436, OMIM 604320.

Allele frequency attached by ClinVar (database versions not stated): gnomAD exomes below 0.00001.
gnomAD v4.1: 2 of 1,614,018 alleles (0.00012%); highest among the groups gnomAD compares: Non-Finnish European, 0.00017%; no homozygotes.

Submissions (2):

Labcorp Genetics (formerly Invitae), Labcorp
Classification: Uncertain significance for Autosomal recessive distal spinal muscular atrophy 1; Charcot-Marie-Tooth disease axonal type 2S. Last evaluated: 2021-06-23. Review status: criteria provided, single submitter. Criteria: Invitae Variant Classification Sherloc (09022015). Collection method: clinical testing. Allele origin: germline.
Comment: This sequence change replaces alanine with proline at codon 77 of the IGHMBP2 protein (p.Ala77Pro). The alanine residue is weakly conserved and there is a small physicochemical difference between alanine and proline. This variant is not present in population databases (ExAC no frequency). This variant has not been reported in the literature in individuals with IGHMBP2-related conditions. ClinVar contains an entry for this variant (Variation ID: 195161). Advanced modeling of protein sequence and biophysical properties (such as structural, functional, and spatial information, amino acid conservation, physicochemical variation, residue mobility, and thermodynamic stability) performed at Invitae indicates that this missense variant is not expected to disrupt IGHMBP2 protein function. In summary, the available evidence is currently insufficient to determine the role of this variant in disease. Therefore, it has been classified as a Variant of Uncertain Significance.

Eurofins Ntd Llc (ga)
Classification: Uncertain significance. Last evaluated: 2014-12-12. Review status: criteria provided, single submitter. Criteria: EGL Classification Definitions 2015. Collection method: clinical testing. Allele origin: germline. Observed: 1 variant allele, 1 heterozygote.

NM_002180.3(IGHMBP2):c.229G>C (p.Ala77Pro)

Gene: IGHMBP2 (immunoglobulin mu DNA binding protein 2; plus strand). Cytogenetic location: 11q13.3.
Variant type: single nucleotide variant.
Coding change: c.229G>C on transcript NM_002180.3 (MANE Select); coding-DNA position 229, G replaced by C.
Protein change: p.Ala77Pro; replaces alanine 77 with proline.
Molecular consequence: missense variant.
Genome position (GRCh38, 1-based): chr11:68,906,211, G>C. VCF-style: chr11-68906211-G-C. GRCh37 (hg19) VCF-style: chr11-68673679-G-C.
Other names: short protein forms A77P.
Identifiers: ClinVar variation 195161 (VCV000195161.12), dbSNP rs778774954, ClinGen allele CA241453.